The following is an entry in ClinVar:

ClinVar aggregate classification (germline): Conflicting classifications of pathogenicity. Review status: criteria provided, conflicting classifications (1 of 4 stars). 5 submissions from 5 submitters: Uncertain significance (1); Likely benign (4). Last evaluated 2026-07-20.

Conditions:
MYO15A-related disorder. Also called: MYO15A-related condition.

Allele frequency attached by ClinVar (database versions not stated): ExAC 0.00003; gnomAD exomes 0.00003 and 0.00007; gnomAD 0.00004 and 0.00005; TOPMed 0.00007.
gnomAD v4.1: 58 of 1,613,908 alleles (0.0036%); highest among the groups gnomAD compares: Admixed American, 0.023%; no homozygotes.

Submissions (5):

PreventionGenetics, part of Exact Sciences
Classification: Likely benign for MYO15A-related condition. Last evaluated: 2026-07-20. Review status: criteria provided, single submitter. Criteria: ACMG Guidelines, 2015. Collection method: clinical testing. Allele origin: germline.
Comment: This variant is classified as likely benign based on ACMG/AMP sequence variant interpretation guidelines (Richards et al. 2015 PMID: 25741868, with internal and published modifications).

CeGaT Center for Human Genetics Tuebingen
Classification: Likely benign. Last evaluated: 2025-04-01. Review status: criteria provided, single submitter. Criteria: CeGaT Center For Human Genetics Tuebingen Variant Classification Criteria Version 2. Collection method: clinical testing. Allele origin: germline. Affected: yes. Observed: 1 variant allele.
Comment: MYO15A: BP4, BP7

Labcorp Genetics (formerly Invitae), Labcorp
Classification: Likely benign. Last evaluated: 2024-11-27. Review status: criteria provided, single submitter. Criteria: Invitae Variant Classification Sherloc (09022015). Collection method: clinical testing. Allele origin: germline.

GeneDx
Classification: Likely benign. Last evaluated: 2018-12-03. Review status: criteria provided, single submitter. Criteria: GeneDx Variant Classification Process June 2021. Collection method: clinical testing. Allele origin: germline. Affected: yes.

Eurofins Ntd Llc (ga)
Classification: Uncertain significance. Last evaluated: 2017-01-23. Review status: criteria provided, single submitter. Criteria: EGL Classification Definitions 2015. Collection method: clinical testing. Allele origin: germline. Observed: 1 variant allele, 1 heterozygote.

NM_016239.4(MYO15A):c.5193C>T (p.Phe1731=)

Gene: MYO15A (myosin XVA; plus strand). Cytogenetic location: 17p11.2.
Variant type: single nucleotide variant.
Coding change: c.5193C>T on transcript NM_016239.4 (MANE Select); coding-DNA position 5193, C replaced by T.
Protein change: p.Phe1731=; no amino-acid change (phenylalanine 1731 retained).
Molecular consequence: synonymous variant.
Genome position (GRCh38, 1-based): chr17:18,139,593, C>T. VCF-style: chr17-18139593-C-T. GRCh37 (hg19) VCF-style: chr17-18042907-C-T.
Identifiers: ClinVar variation 499169 (VCV000499169.22), dbSNP rs767426819, ClinGen allele CA8424172.
Genomic context (GRCh38, chr17:18,139,593, plus strand): 5'-GGTGCACAAGTTCCTGGACAAGAACCACGACCAAGTGCGCCAGGATGTGCTGGACCTGTT[C>T]GTACGGAGCCGGACACGGGTAAGCCTCGCCTCCCACCGCTCTGGCCCTGCCCCCAGGCAT-3'
Protein context (NP_057323.3, residues 1721-1741): DQVRQDVLDL[Phe1731=]VRSRTRVVAH